The following is an entry in ClinVar:

NM_020632.3(ATP6V0A4):c.1048A>G (p.Met350Val)

Gene: ATP6V0A4 (ATPase H+ transporting V0 subunit a4; minus strand). Cytogenetic location: 7q34.
Variant type: single nucleotide variant.
Coding change: c.1048A>G on transcript NM_020632.3 (MANE Select); coding-DNA position 1048, A replaced by G.
Protein change: p.Met350Val; replaces methionine 350 with valine.
Molecular consequence: missense variant.
Genome position (GRCh38, 1-based): chr7:138,749,299, T>C on the plus strand (A>G on the coding strand, the complement: ATP6V0A4 is on the minus strand). VCF-style: chr7-138749299-T-C. GRCh37 (hg19) VCF-style: chr7-138434044-T-C.
Other names: c.1048A>G (NM_020632.2); c.1048A>G, p.Met350Val (NM_130840.3, NM_130841.3); short protein forms M350V.
Identifiers: ClinVar variation 1334682 (VCV001334682.11), dbSNP rs76977934, ClinGen allele CA4504898.
Genomic context (GRCh38, chr7:138,749,299, plus strand): 5'-TGGTCCTGTTAAATGTGGGAGGGGCTGTTTTAGATTGCACTGTGGTCATGATGGGGGCCA[T>C]GGAGGAGCCACTTAGTTCCTGGAAAAAAAAAAAAAAGCGACAAAGATGTAAGGAGAAGAG-3'
Protein context (NP_065683.2, residues 340-360): EQGMELSGSS[Met350Val]APIMTTVQSK

ClinVar aggregate classification (germline): Conflicting classifications of pathogenicity. Review status: criteria provided, conflicting classifications (1 of 4 stars). 4 submissions from 4 submitters: Uncertain significance (2); Likely benign (1). 1 of the submissions does not count toward it. Last evaluated 2026-02-02.

Conditions:
ATP6V0A4-related disorder. Also called: ATP6V0A4-related condition.

Allele frequency attached by ClinVar (database versions not stated): gnomAD exomes 0.00028; ExAC 0.00047; gnomAD 0.00116 and 0.00126; TOPMed 0.00134; 1000 Genomes Project 0.00200; ESP Exome Variant Server 0.00200; 1000 Genomes Project 30x 0.00234.
gnomAD v4.1: 312 of 1,609,160 alleles (0.019%); highest among the groups gnomAD compares: African/African-American, 0.35%; no homozygotes.

Submissions (4):

Labcorp Genetics (formerly Invitae), Labcorp
Classification: Likely benign. Last evaluated: 2026-02-02. Review status: criteria provided, single submitter. Criteria: Invitae Variant Classification Sherloc (09022015). Collection method: clinical testing. Allele origin: germline.

Greenwood Genetic Center Diagnostic Laboratories, Greenwood Genetic Center
Classification: Uncertain significance. Last evaluated: 2021-12-06. Review status: criteria provided, single submitter. Criteria: ACMG Guidelines, 2015. Collection method: clinical testing. Allele origin: germline. Affected: yes.
Comment: BS1

Breakthrough Genomics
Classification: Uncertain significance. Review status: criteria provided, single submitter. Criteria: ACMG Guidelines, 2015. Collection method: not provided. Allele origin: germline. Inheritance: Autosomal recessive inheritance. Affected: yes.

PreventionGenetics, part of Exact Sciences
Classification: Likely benign for ATP6V0A4-related condition. Last evaluated: 2021-06-09. Review status: no assertion criteria provided. Collection method: clinical testing. Allele origin: germline. Not counted in ClinVar's aggregate classification.
Comment: This variant is classified as likely benign based on ACMG/AMP sequence variant interpretation guidelines (Richards et al. 2015 PMID: 25741868, with internal and published modifications).